The following is an entry in ClinVar:

NM_022124.6(CDH23):c.8177C>T (p.Pro2726Leu)

Gene: CDH23 (cadherin related 23; plus strand). Cytogenetic location: 10q22.1.
Variant type: single nucleotide variant.
Coding change: c.8177C>T on transcript NM_022124.6 (MANE Select); coding-DNA position 8177, C replaced by T.
Protein change: p.Pro2726Leu; replaces proline 2726 with leucine.
Molecular consequence: missense variant.
Genome position (GRCh38, 1-based): chr10:71,806,280, C>T. VCF-style: chr10-71806280-C-T. GRCh37 (hg19) VCF-style: chr10-73566037-C-T.
Other names: c.1457C>T, p.Pro486Leu (NM_001171933.1, NM_001171934.1); short protein forms P2726L, P486L.
Identifiers: ClinVar variation 2627299 (VCV002627299.1), dbSNP rs775479265, ClinGen allele CA5546561.

ClinVar aggregate classification (germline): Uncertain significance (1 of 4 stars; one submission).

Allele frequency attached by ClinVar (database versions not stated): gnomAD exomes below 0.00001; ExAC 0.00004.
gnomAD v4.1: 1 of 1,551,560 alleles (0.000064%); highest among the groups gnomAD compares: Non-Finnish European, 0.000087%; no homozygotes.

Submission:

Women's Health and Genetics/Laboratory Corporation of America, LabCorp
Classification: Uncertain significance. Last evaluated: 2023-09-21. Review status: criteria provided, single submitter. Criteria: LabCorp Variant Classification Summary - May 2015. Collection method: clinical testing. Allele origin: germline.
Comment: Variant summary: CDH23 c.8177C>T (p.Pro2726Leu) results in a non-conservative amino acid change in the encoded protein sequence. Four of five in-silico tools predict a damaging effect of the variant on protein function. Several computational tools predict a significant impact on normal splicing: Two predict the variant weakens a 5' donor site. However, these predictions have yet to be confirmed by functional studies. The variant allele was found at a frequency of 6.3e-06 in 158988 control chromosomes. The available data on variant occurrences in the general population are insufficient to allow any conclusion about variant significance. c.8177C>T has been reported in the literature in individuals affected with bilateral hearing loss (Adeyemao_2021) in cis with a pathogenic variant (CDH23 c.5237G>A, R1746Q), providing supporting evidence for a benign role. To our knowledge, no experimental evidence demonstrating an impact on protein function has been reported. The following publication have been ascertained in the context of this evaluation (PMID: 34837038). No submitters have cited clinical-significance assessments for this variant to ClinVar after 2014. Based on the evidence outlined above, the variant was classified as uncertain significance.

Literature cited by the submitters: PubMed 34837038.